The following is an entry in ClinVar:

NM_000142.5(FGFR3):c.1646-3C>T

Gene: FGFR3 (fibroblast growth factor receptor 3; plus strand). Cytogenetic location: 4p16.3.
Variant type: single nucleotide variant.
Coding change: c.1646-3C>T on transcript NM_000142.5 (MANE Select); 3 bases into the intron before coding-DNA position 1646, C replaced by T.
Molecular consequence: intron variant.
Genome position (GRCh38, 1-based): chr4:1,805,747, C>T. VCF-style: chr4-1805747-C-T. GRCh37 (hg19) VCF-style: chr4-1807474-C-T.
Other names: c.1652-3C>T (NM_001163213.2); c.1649-3C>T (NM_001354809.2, NM_001354810.2); c.1310-3C>T (NM_022965.4).
Identifiers: ClinVar variation 2415895 (VCV002415895.6), dbSNP rs752968776, ClinGen allele CA2810529.
Genomic context (GRCh38, chr4:1,805,747, plus strand): 5'-GGTGGTGCCGGCTGGGCGGCCCTCCTGGGCCTGGCAGCCCGTCTGAGGAGCCCGTGTCCC[C>T]AGGGCCCCTGTACGTGCTGGTGGAGTACGCGGCCAAGGGTAACCTGCGGGAGTTTCTGCG-3'

ClinVar aggregate classification (germline): Uncertain significance (1 of 4 stars; one submission).

Allele frequency attached by ClinVar (database versions not stated): gnomAD exomes 0.00002; TOPMed 0.00002; ExAC 0.00005.
gnomAD v4.1: 14 of 1,612,470 alleles (0.00087%); highest among the groups gnomAD compares: Admixed American, 0.023%; no homozygotes.

Submission:

Labcorp Genetics (formerly Invitae), Labcorp
Classification: Uncertain significance. Last evaluated: 2025-09-12. Review status: criteria provided, single submitter. Criteria: Invitae Variant Classification Sherloc (09022015). Collection method: clinical testing. Allele origin: germline.
Comment: This sequence change falls in intron 12 of the FGFR3 gene. It does not directly change the encoded amino acid sequence of the FGFR3 protein. It affects a nucleotide within the consensus splice site. This variant is present in population databases (rs752968776, gnomAD 0.04%), and has an allele count higher than expected for a pathogenic variant. This variant has not been reported in the literature in individuals affected with FGFR3-related conditions. ClinVar contains an entry for this variant (Variation ID: 2415895). Variants that disrupt the consensus splice site are a relatively common cause of aberrant splicing (PMID: 17576681, 9536098). Algorithms developed to predict the effect of sequence changes on RNA splicing suggest that this variant is not likely to affect RNA splicing. In summary, the available evidence is currently insufficient to determine the role of this variant in disease. Therefore, it has been classified as a Variant of Uncertain Significance.

Literature cited by the submitters: PubMed 17576681; PubMed 9536098.